The following is an entry in ClinVar:

ClinVar aggregate classification (germline): Pathogenic/Likely pathogenic. Review status: criteria provided, multiple submitters, no conflicts (2 of 4 stars). 4 submissions from 4 submitters: Pathogenic (3); Likely pathogenic (1). Last evaluated 2025-11-24.

Conditions:
Mitochondrial complex I deficiency, nuclear type 1. Also called: NADH-COENZYME Q REDUCTASE DEFICIENCY; MITOCHONDRIAL NADH DEHYDROGENASE COMPONENT OF COMPLEX I, DEFICIENCY OF. Identifiers: MedGen C6022305, MONDO:0100224, OMIM 252010.
Leigh syndrome (NULS). Also called: LEIGH SYNDROME, NUCLEAR; Leigh's syndrome; Leigh Disease; Subacute necrotizing encephalopathy; Necrotizing encephalopathy infantile subacute of Leigh; Leigh's necrotizing encephalopathy. Identifiers: Orphanet 506, MedGen C2931891, MONDO:0009723, OMIM 256000.

Submissions (4):

Victorian Clinical Genetics Services, Murdoch Childrens Research Institute
Classification: Pathogenic for Leigh syndrome. Last evaluated: 2025-11-24. Review status: criteria provided, single submitter. Criteria: ACMG Guidelines, 2015. Collection method: clinical testing. Allele origin: germline. Affected: no.
Comment: This variant is classified as Pathogenic. Evidence in support of pathogenic classification: Variant is predicted to cause nonsense-mediated decay (NMD) and loss of protein (premature termination codon is located at least 54 nucleotides upstream of the final exon-exon junction); Variant is present in gnomAD <0.01 for a recessive condition (v4: 1 heterozygote(s), 0 homozygote(s)); This variant has limited previous evidence of pathogenicity in an unrelated individual(s). This variant has been classified as likely pathogenic and pathogenic by clinical laboratories in ClinVar; Other NMD-predicted variant(s) comparable to the one identified in this case have very strong previous evidence for pathogenicity (DECIPHER). Additional information: This gene is associated with autosomal recessive disease; Loss of function is a known mechanism of disease in this gene and is associated with Leigh syndrome (MONDO:0009723), NDUFS4-related.

Myriad Genetics, Inc.
Classification: Pathogenic for Mitochondrial complex I deficiency, nuclear type 1. Last evaluated: 2024-05-14. Review status: criteria provided, single submitter. Criteria: Myriad Autosomal Dominant, Autosomal Recessive and X-Linked Classification Criteria (2023). Collection method: clinical testing. Allele origin: unknown.
Comment: NM_002495.2(NDUFS4):c.221delC(T74Ifs*18) is expected to be pathogenic in the context of mitochondrial complex I deficiency, NDUFS4-related. This variant is predicted to lead to an abnormal or absent protein product due to the creation of a premature termination codon in NDUFS4, a gene where loss-of-function variants are known to be pathogenic. Please note: this variant was assessed in the context of healthy population screening.

Women's Health and Genetics/Laboratory Corporation of America, LabCorp
Classification: Likely pathogenic for Leigh syndrome. Last evaluated: 2023-02-10. Review status: criteria provided, single submitter. Criteria: LabCorp Variant Classification Summary - May 2015. Collection method: clinical testing. Allele origin: germline.
Comment: Variant summary: NDUFS4 c.221delC (p.Thr74IlefsX18) results in a premature termination codon, predicted to cause a truncation of the encoded protein or absence of the protein due to nonsense mediated decay, which are commonly known mechanisms for disease. Truncations downstream of this position have been classified as pathogenic by our laboratory. The variant was absent in 250788 control chromosomes (gnomAD). c.221delC has been reported in the literature in at least one homozygous individual with a confirmed mitochondrial complex I deficiency (Calvo_2010). These data indicate that the variant may be associated with disease. To our knowledge, no experimental evidence demonstrating an impact on protein function has been reported. No clinical diagnostic laboratories have submitted clinical-significance assessments for this variant to ClinVar after 2014. Based on the evidence outlined above, the variant was classified as likely pathogenic.

Baylor Genetics
Classification: Pathogenic for Mitochondrial complex I deficiency, nuclear type 1. Last evaluated: 2023-02-02. Review status: criteria provided, single submitter. Criteria: ACMG Guidelines, 2015. Collection method: clinical testing. Allele origin: unknown.

Literature cited by the submitters: PubMed 20818383 (cited by Women's Health and Genetics/Laboratory Corporation of America, LabCorp); PubMed 22326555 (cited by Women's Health and Genetics/Laboratory Corporation of America, LabCorp).

NM_002495.4(NDUFS4):c.221del (p.Thr74fs)

Gene: NDUFS4 (NADH:ubiquinone oxidoreductase subunit S4; plus strand). Cytogenetic location: 5q11.2.
Variant type: Deletion.
Coding change: c.221del on transcript NM_002495.4 (MANE Select); coding-DNA position 221, one base deleted (C; older notation c.221delC).
Protein change: p.Thr74fs; shifts the reading frame from threonine 74.
Molecular consequence: frameshift variant. On other transcripts: non-coding transcript variant (3).
Genome position (GRCh38, 1-based): chr5:53,646,276, C deleted. VCF-style (leftmost placement, unchanged base first): chr5-53646275-AC-A. GRCh37 (hg19) VCF-style: chr5-52942105-AC-A.
Other names: c.221del, p.Thr74fs (NM_001318051.2); c.221delC (NM_002495.3); short protein forms T74fs.
Identifiers: ClinVar variation 2445773 (VCV002445773.4), dbSNP rs2478786907, ClinGen allele CA658655616.